The following is an entry in ClinVar:

ClinVar aggregate classification (germline): Uncertain significance (1 of 4 stars; one submission).

Conditions:
Charcot-Marie-Tooth disease type 2. Also called: Charcot-Marie-Tooth type 2. Identifiers: Orphanet 64746, MedGen C0270914, MONDO:0018993.

Allele frequency attached by ClinVar (database versions not stated): gnomAD exomes below 0.00001.
gnomAD v4.1: 2 of 1,613,744 alleles (0.00012%); highest among the groups gnomAD compares: South Asian, 0.0022%; no homozygotes.

Submission:

Labcorp Genetics (formerly Invitae), Labcorp
Classification: Uncertain significance for Charcot-Marie-Tooth disease type 2. Last evaluated: 2023-04-06. Review status: criteria provided, single submitter. Criteria: Invitae Variant Classification Sherloc (09022015). Collection method: clinical testing. Allele origin: germline.
Comment: In summary, the available evidence is currently insufficient to determine the role of this variant in disease. Therefore, it has been classified as a Variant of Uncertain Significance. Advanced modeling of protein sequence and biophysical properties (such as structural, functional, and spatial information, amino acid conservation, physicochemical variation, residue mobility, and thermodynamic stability) performed at Invitae indicates that this missense variant is not expected to disrupt AARS protein function. This variant has not been reported in the literature in individuals affected with AARS-related conditions. This variant is not present in population databases (gnomAD no frequency). This sequence change replaces leucine, which is neutral and non-polar, with phenylalanine, which is neutral and non-polar, at codon 167 of the AARS protein (p.Leu167Phe).

NM_001605.3(AARS1):c.499C>T (p.Leu167Phe)

Gene: AARS1 (alanyl-tRNA synthetase 1; minus strand). Cytogenetic location: 16q22.1.
Variant type: single nucleotide variant.
Coding change: c.499C>T on transcript NM_001605.3 (MANE Select); coding-DNA position 499, C replaced by T.
Protein change: p.Leu167Phe; replaces leucine 167 with phenylalanine.
Molecular consequence: missense variant.
Genome position (GRCh38, 1-based): chr16:70,271,953, G>A on the plus strand (C>T on the coding strand, the complement: AARS1 is on the minus strand). VCF-style: chr16-70271953-G-A. GRCh37 (hg19) VCF-style: chr16-70305856-G-A.
Other names: short protein forms L167F.
Identifiers: ClinVar variation 2724809 (VCV002724809.3), dbSNP rs2507020989, ClinGen allele CA396567054.